The following is an entry in ClinVar:

ClinVar aggregate classification (germline): Uncertain significance (1 of 4 stars; one submission).

Conditions:
Facioscapulohumeral muscular dystrophy 2 (FSHD2). Also called: MUSCULAR DYSTROPHY, FACIOSCAPULOHUMERAL, TYPE 1B; FACIOSCAPULOHUMERAL MUSCULAR DYSTROPHY 2, DIGENIC; FSHD2, DIGENIC. Identifiers: Orphanet 269, MedGen C1834671, MONDO:0008031, OMIM 158901.

gnomAD v4.1: 1 of 1,577,750 alleles (0.000063%); highest among the groups gnomAD compares: African/African-American, 0.0013%; no homozygotes.

Submission:

Labcorp Genetics (formerly Invitae), Labcorp
Classification: Uncertain significance for Facioscapulohumeral muscular dystrophy 2. Last evaluated: 2024-02-23. Review status: criteria provided, single submitter. Criteria: Invitae Variant Classification Sherloc (09022015). Collection method: clinical testing. Allele origin: germline.
Comment: This sequence change replaces alanine, which is neutral and non-polar, with valine, which is neutral and non-polar, at codon 1334 of the SMCHD1 protein (p.Ala1334Val). This variant is not present in population databases (gnomAD no frequency). This variant has not been reported in the literature in individuals affected with SMCHD1-related conditions. Advanced modeling of protein sequence and biophysical properties (such as structural, functional, and spatial information, amino acid conservation, physicochemical variation, residue mobility, and thermodynamic stability) performed at Invitae indicates that this missense variant is not expected to disrupt SMCHD1 protein function with a negative predictive value of 80%. In summary, the available evidence is currently insufficient to determine the role of this variant in disease. Therefore, it has been classified as a Variant of Uncertain Significance.

NM_015295.3(SMCHD1):c.4001C>T (p.Ala1334Val)

Gene: SMCHD1 (structural maintenance of chromosomes flexible hinge domain containing 1; plus strand). Cytogenetic location: 18p11.32.
Variant type: single nucleotide variant.
Coding change: c.4001C>T on transcript NM_015295.3 (MANE Select); coding-DNA position 4001, C replaced by T.
Protein change: p.Ala1334Val; replaces alanine 1334 with valine.
Molecular consequence: missense variant.
Genome position (GRCh38, 1-based): chr18:2,750,116, C>T. VCF-style: chr18-2750116-C-T. GRCh37 (hg19) VCF-style: chr18-2750114-C-T.
Other names: short protein forms A1334V.
Identifiers: ClinVar variation 3633124 (VCV003633124.2).